The following is an entry in ClinVar:

NM_020806.5(GPHN):c.26C>A (p.Thr9Asn)

Gene: GPHN (gephyrin; plus strand). Cytogenetic location: 14q23.3.
Variant type: single nucleotide variant.
Coding change: c.26C>A on transcript NM_020806.5 (MANE Select); coding-DNA position 26, C replaced by A.
Protein change: p.Thr9Asn; replaces threonine 9 with asparagine.
Molecular consequence: missense variant.
Genome position (GRCh38, 1-based): chr14:66,508,553, C>A. VCF-style: chr14-66508553-C-A. GRCh37 (hg19) VCF-style: chr14-66975271-C-A.
Other names: c.26C>A, p.Thr9Asn (NM_001024218.2, NM_001377514.1, NM_001377515.1 and 4 more transcripts); short protein forms T9N.
Identifiers: ClinVar variation 2129764 (VCV002129764.4), dbSNP rs150226537, ClinGen allele CA390255071.

ClinVar aggregate classification (germline): Uncertain significance (1 of 4 stars; one submission).

Conditions:
Sulfite oxidase deficiency due to molybdenum cofactor deficiency type C. Also called: Molybdenum cofactor deficiency C; Molybdenum cofactor deficiency, complementation group C. Identifiers: Orphanet 308400, Orphanet 833, MedGen C1854990, MONDO:0014212, OMIM 615501.

gnomAD v4.1: 1 of 1,614,140 alleles (0.000062%); highest among the groups gnomAD compares: Non-Finnish European, 0.000085%; no homozygotes.

Submission:

Labcorp Genetics (formerly Invitae), Labcorp
Classification: Uncertain significance for Sulfite oxidase deficiency due to molybdenum cofactor deficiency type C. Last evaluated: 2025-10-21. Review status: criteria provided, single submitter. Criteria: Invitae Variant Classification Sherloc (09022015). Collection method: clinical testing. Allele origin: germline.
Comment: This sequence change replaces threonine, which is neutral and polar, with asparagine, which is neutral and polar, at codon 9 of the GPHN protein (p.Thr9Asn). This variant is not present in population databases (gnomAD no frequency). This variant has not been reported in the literature in individuals affected with GPHN-related conditions. ClinVar contains an entry for this variant (Variation ID: 2129764). An algorithm developed to predict the effect of missense changes on protein structure and function (PolyPhen-2) suggests that this variant is likely to be tolerated. In summary, the available evidence is currently insufficient to determine the role of this variant in disease. Therefore, it has been classified as a Variant of Uncertain Significance.